The following is an entry in ClinVar:

ClinVar aggregate classification (germline): Uncertain significance. Review status: criteria provided, multiple submitters, no conflicts (2 of 4 stars). 2 submissions from 2 submitters: Uncertain significance (2). Last evaluated 2025-07-15.

Conditions:
Inborn genetic diseases. Identifiers: MedGen C0950123, MeSH D030342.

Allele frequency attached by ClinVar (database versions not stated): gnomAD exomes below 0.00001.
gnomAD v4.1: 2 of 1,613,024 alleles (0.00012%); highest among the groups gnomAD compares: Non-Finnish European, 0.00017%; no homozygotes.

Submissions (2):

Ambry Genetics
Classification: Uncertain significance for Inborn genetic diseases. Last evaluated: 2025-07-15. Review status: criteria provided, single submitter. Criteria: Ambry Variant Classification Scheme 2023. Collection method: clinical testing. Allele origin: germline.

Labcorp Genetics (formerly Invitae), Labcorp
Classification: Uncertain significance. Last evaluated: 2022-04-16. Review status: criteria provided, single submitter. Criteria: Invitae Variant Classification Sherloc (09022015). Collection method: clinical testing. Allele origin: germline.
Comment: This sequence change replaces isoleucine, which is neutral and non-polar, with leucine, which is neutral and non-polar, at codon 719 of the LRP2 protein (p.Ile719Leu). This variant is not present in population databases (gnomAD no frequency). This variant has not been reported in the literature in individuals affected with LRP2-related conditions. Advanced modeling of protein sequence and biophysical properties (such as structural, functional, and spatial information, amino acid conservation, physicochemical variation, residue mobility, and thermodynamic stability) performed at Invitae indicates that this missense variant is not expected to disrupt LRP2 protein function. In summary, the available evidence is currently insufficient to determine the role of this variant in disease. Therefore, it has been classified as a Variant of Uncertain Significance.

NM_004525.3(LRP2):c.2155A>C (p.Ile719Leu)

Gene: LRP2 (LDL receptor related protein 2; minus strand). Cytogenetic location: 2q31.1.
Variant type: single nucleotide variant.
Coding change: c.2155A>C on transcript NM_004525.3 (MANE Select); coding-DNA position 2155, A replaced by C.
Protein change: p.Ile719Leu; replaces isoleucine 719 with leucine.
Molecular consequence: missense variant.
Genome position (GRCh38, 1-based): chr2:169,271,069, T>G on the plus strand (A>C on the coding strand, the complement: LRP2 is on the minus strand). VCF-style: chr2-169271069-T-G. GRCh37 (hg19) VCF-style: chr2-170127579-T-G.
Other names: c.2155A>C (NM_004525.2); short protein forms I719L.
Identifiers: ClinVar variation 1956993 (VCV001956993.3), dbSNP rs1683402343, ClinGen allele CA349163040.
Genomic context (GRCh38, chr2:169,271,069, plus strand): 5'-TCCCCGAAACTGGAACCATGACATCTTCCTGGGTAGACAAGGTGAACGGGATCCCACGAA[T>G]AGCAACTTGGGATGAAAAAATGAGGAAATTCTGAACAGCTGTAGGAAGAATAACACAGCA-3'
Protein context (NP_004516.2, residues 709-729): NFLIFSSQVA[Ile719Leu]RGIPFTLSTQ